The following is an entry in ClinVar:

ClinVar aggregate classification (germline): Pathogenic (1 of 4 stars; one submission).

Conditions:
EGFR-related lung cancer (EGFR). Identifiers: MedGen CN130014.

Submission:

Labcorp Genetics (formerly Invitae), Labcorp
Classification: Pathogenic for EGFR-related lung cancer. Last evaluated: 2021-09-27. Review status: criteria provided, single submitter. Criteria: Invitae Variant Classification Sherloc (09022015). Collection method: clinical testing. Allele origin: germline.
Comment: This sequence change creates a premature translational stop signal (p.Asn473Ilefs*3) in the EGFR gene. It is expected to result in an absent or disrupted protein product. Loss-of-function variants in EGFR are known to be pathogenic (PMID: 7630400, 28726809, 29899996). For these reasons, this variant has been classified as Pathogenic. ClinVar contains an entry for this variant (Variation ID: 1045120). This variant has not been reported in the literature in individuals affected with EGFR-related conditions. This variant is not present in population databases (ExAC no frequency).

Literature cited by the submitters: PubMed 7630400; PubMed 28726809; PubMed 29899996.

NM_005228.5(EGFR):c.1418del (p.Asn473fs)

Gene: EGFR (epidermal growth factor receptor; plus strand). Cytogenetic location: 7p11.2.
Variant type: Deletion.
Coding change: c.1418del on transcript NM_005228.5 (MANE Select); coding-DNA position 1418, one base deleted (A; older notation c.1418delA).
Protein change: p.Asn473fs; shifts the reading frame from asparagine 473.
Molecular consequence: frameshift variant.
Genome position (GRCh38, 1-based): chr7:55,160,258, A deleted; the last of 3 consecutive A bases (chr7:55,160,256-55,160,258); deleting any one gives the same sequence. VCF-style (leftmost placement, unchanged base first): chr7-55160255-CA-C. GRCh37 (hg19) VCF-style: chr7-55227948-CA-C.
Other names: c.1283del, p.Asn428fs (NM_001346897.2, NM_001346899.2); c.1418del, p.Asn473fs (NM_001346898.2, NM_201282.2, NM_201284.2); c.1259del, p.Asn420fs (NM_001346900.2); c.617del, p.Asn206fs (NM_001346941.2); short protein forms N420fs, N206fs, N428fs, N473fs.
Identifiers: ClinVar variation 1045120 (VCV001045120.6), dbSNP rs1785628941, ClinGen allele CA1708905263.
Genomic context (GRCh38, chr7:55,160,255, plus strand): 5'-CCCTCAAGGAGATAAGTGATGGAGATGTGATAATTTCAGGAAACAAAAATTTGTGCTATG[CA>C]AATACAATAAACTGGAAAAAACTGTTTGGGACCTCCGGTCAGAAAACCAAAATTATAAGC-3'